The following is an entry in ClinVar:

ClinVar aggregate classification (germline): Likely pathogenic (1 of 4 stars; one submission).

Conditions:
Mitochondrial complex II deficiency, nuclear type 1. Also called: SUCCINATE CoQ REDUCTASE DEFICIENCY. Identifiers: Orphanet 3208, MedGen C5700310, MONDO:0100294, OMIM 252011.
Pheochromocytoma/paraganglioma syndrome 5. Also called: Paragangliomas 5; SDHA-Related Hereditary Paraganglioma-Pheochromocytoma Syndrome. Identifiers: Orphanet 29072, MedGen C3279992, MONDO:0013602, OMIM 614165.

Submission:

Labcorp Genetics (formerly Invitae), Labcorp
Classification: Likely pathogenic for Pheochromocytoma/paraganglioma syndrome 5; Mitochondrial complex II deficiency, nuclear type 1. Last evaluated: 2024-11-30. Review status: criteria provided, single submitter. Criteria: Invitae Variant Classification Sherloc (09022015). Collection method: clinical testing. Allele origin: germline.
Comment: This sequence change affects a donor splice site in intron 10 of the SDHA gene. It is expected to disrupt RNA splicing. Variants that disrupt the donor or acceptor splice site typically lead to a loss of protein function (PMID: 16199547), and loss-of-function variants in SDHA are known to be pathogenic (PMID: 22974104, 24781757). This variant is not present in population databases (gnomAD no frequency). Disruption of this splice site has been observed in individual(s) with Leigh syndrome (PMID: 31665838, 35094435). Algorithms developed to predict the effect of sequence changes on RNA splicing suggest that this variant may disrupt the consensus splice site. In summary, the currently available evidence indicates that the variant is pathogenic, but additional data are needed to prove that conclusively. Therefore, this variant has been classified as Likely Pathogenic.

Literature cited by the submitters: PubMed 16199547; PubMed 22974104; PubMed 24781757; PubMed 31665838; PubMed 35094435.

NM_004168.4(SDHA):c.1432+2T>C

Gene: SDHA (succinate dehydrogenase complex flavoprotein subunit A; plus strand). Cytogenetic location: 5p15.33.
Variant type: single nucleotide variant.
Coding change: c.1432+2T>C on transcript NM_004168.4 (MANE Select); the canonical splice donor site of the intron after coding-DNA position 1432, T replaced by C.
Molecular consequence: splice donor variant.
Genome position (GRCh38, 1-based): chr5:236,601, T>C. VCF-style: chr5-236601-T-C. GRCh37 (hg19) VCF-style: chr5-236716-T-C.
Other names: c.1432+2T>C (NM_001330758.2); c.1288+2T>C (NM_001294332.2).
Identifiers: ClinVar variation 3755056 (VCV003755056.2).